The following is an entry in ClinVar:

NM_000237.3(LPL):c.306A>C (p.Arg102Ser)

Gene: LPL (lipoprotein lipase; plus strand). Cytogenetic location: 8p21.3.
Variant type: single nucleotide variant.
Coding change: c.306A>C on transcript NM_000237.3 (MANE Select); coding-DNA position 306, A replaced by C.
Protein change: p.Arg102Ser; replaces arginine 102 with serine.
Molecular consequence: missense variant.
Genome position (GRCh38, 1-based): chr8:19,951,825, A>C. VCF-style: chr8-19951825-A-C. GRCh37 (hg19) VCF-style: chr8-19809336-A-C.
Other names: R75S; short protein forms R102S.
Identifiers: ClinVar variation 1545 (VCV000001545.4), dbSNP rs118204073, ClinGen allele CA251883.
Genomic context (GRCh38, chr8:19,951,825, plus strand): 5'-TCAGGTAACAGGAATGTATGAGAGTTGGGTGCCAAAACTTGTGGCCGCCCTGTACAAGAG[A>C]GAACCAGACTCCAATGTCATTGTGGTGGACTGGCTGTCACGGGCTCAGGAGCATTACCCA-3'
Protein context (NP_000228.1, residues 92-112): VPKLVAALYK[Arg102Ser]EPDSNVIVVD

ClinVar aggregate classification (germline): Pathogenic. Review status: criteria provided, single submitter (1 of 4 stars). 2 submissions from 2 submitters: Pathogenic (1). 1 of the submissions does not count toward it. Last evaluated 2022-12-16.

Conditions:
Hyperlipoproteinemia, type I. Also called: Lipoprotein Lipase Deficiency; Lipase D deficiency; Familial Lipoprotein Lipase Deficiency; Hyperlipoproteinemia type 1; Hyperchylomicro-nemia familial; Familial chylomicronemia. Identifiers: Orphanet 309015, Orphanet 444490, MedGen C0023817, MONDO:0009387, OMIM 238600. Disease mechanism: loss of function.

Allele frequency attached by ClinVar (database versions not stated): gnomAD 0.00001; ExAC 0.00001; gnomAD exomes below 0.00001.
gnomAD v4.1: 1 of 1,614,070 alleles (0.000062%); highest among the groups gnomAD compares: Non-Finnish European, 0.000085%; no homozygotes.

Submissions (2):

Labcorp Genetics (formerly Invitae), Labcorp
Classification: Pathogenic. Last evaluated: 2022-12-16. Review status: criteria provided, single submitter. Criteria: Invitae Variant Classification Sherloc (09022015). Collection method: clinical testing. Allele origin: germline.
Comment: ClinVar contains an entry for this variant (Variation ID: 1545). For these reasons, this variant has been classified as Pathogenic. Experimental studies have shown that this missense change affects LPL function (PMID: 8325986). Advanced modeling of protein sequence and biophysical properties (such as structural, functional, and spatial information, amino acid conservation, physicochemical variation, residue mobility, and thermodynamic stability) performed at Invitae indicates that this missense variant is not expected to disrupt LPL protein function. This variant is also known as Arg75Ser. This missense change has been observed in individual(s) with chylomicronemia (PMID: 8325986). In at least one individual the data is consistent with being in trans (on the opposite chromosome) from a pathogenic variant. It has also been observed to segregate with disease in related individuals. This variant is present in population databases (rs118204073, gnomAD 0.0009%). This sequence change replaces arginine, which is basic and polar, with serine, which is neutral and polar, at codon 102 of the LPL protein (p.Arg102Ser).

OMIM
Classification: Pathogenic for LIPOPROTEIN LIPASE DEFICIENCY. Last evaluated: 1993-07-01. Review status: no assertion criteria provided. Collection method: literature only. Allele origin: germline. Not counted in ClinVar's aggregate classification.

Literature cited by the submitters: PubMed 8325986 (cited by Labcorp Genetics (formerly Invitae), Labcorp and OMIM); PubMed 1400331 (cited by OMIM).